The following is an entry in ClinVar:

NM_002476.2(MYL4):c.353C>T (p.Pro118Leu)

Gene: MYL4 (myosin light chain 4; plus strand). Cytogenetic location: 17q21.32.
Variant type: single nucleotide variant.
Coding change: c.353C>T on transcript NM_002476.2 (MANE Select); coding-DNA position 353, C replaced by T.
Protein change: p.Pro118Leu; replaces proline 118 with leucine.
Molecular consequence: missense variant.
Genome position (GRCh38, 1-based): chr17:47,221,721, C>T. VCF-style: chr17-47221721-C-T. GRCh37 (hg19) VCF-style: chr17-45299087-C-T.
Other names: c.353C>T, p.Pro118Leu (NM_001002841.2); short protein forms P118L.
Identifiers: ClinVar variation 3647693 (VCV003647693.2).

ClinVar aggregate classification (germline): Uncertain significance (1 of 4 stars; one submission).

Conditions:
Atrial fibrillation, familial, 18 (ATFB18). Identifiers: MedGen C4310636, MONDO:0015001, OMIM 617280.

gnomAD v4.1: 1 of 1,614,030 alleles (0.000062%); highest among the groups gnomAD compares: Non-Finnish European, 0.000085%; no homozygotes.

Submission:

Labcorp Genetics (formerly Invitae), Labcorp
Classification: Uncertain significance for Atrial fibrillation, familial, 18. Last evaluated: 2024-03-26. Review status: criteria provided, single submitter. Criteria: Invitae Variant Classification Sherloc (09022015). Collection method: clinical testing. Allele origin: germline.
Comment: This sequence change replaces proline, which is neutral and non-polar, with leucine, which is neutral and non-polar, at codon 118 of the MYL4 protein (p.Pro118Leu). This variant is not present in population databases (gnomAD no frequency). This variant has not been reported in the literature in individuals affected with MYL4-related conditions. An algorithm developed to predict the effect of missense changes on protein structure and function (PolyPhen-2) suggests that this variant is likely to be disruptive. In summary, the available evidence is currently insufficient to determine the role of this variant in disease. Therefore, it has been classified as a Variant of Uncertain Significance.